The following is an entry in ClinVar:

ClinVar aggregate classification (germline): Uncertain significance. Review status: criteria provided, multiple submitters, no conflicts (2 of 4 stars). 3 submissions from 3 submitters: Uncertain significance (3). Last evaluated 2025-12-24.

Conditions:
Baller-Gerold syndrome (BGS). Also called: CRANIOSYNOSTOSIS WITH RADIAL DEFECTS. Identifiers: Orphanet 1225, MedGen C0265308, MONDO:0009039, OMIM 218600.
Inborn genetic diseases. Identifiers: MedGen C0950123, MeSH D030342.

Allele frequency attached by ClinVar (database versions not stated): ExAC below 0.00001; TOPMed below 0.00001; gnomAD 0.00001; gnomAD exomes 0.00002.
gnomAD v4.1: 7 of 1,311,306 alleles (0.00053%); highest among the groups gnomAD compares: East Asian, 0.0067%; no homozygotes.

Submissions (3):

Labcorp Genetics (formerly Invitae), Labcorp
Classification: Uncertain significance for Baller-Gerold syndrome. Last evaluated: 2025-12-24. Review status: criteria provided, single submitter. Criteria: Invitae Variant Classification Sherloc (09022015). Collection method: clinical testing. Allele origin: germline.
Comment: This sequence change replaces arginine, which is basic and polar, with tryptophan, which is neutral and slightly polar, at codon 10 of the RECQL4 protein (p.Arg10Trp). This variant is present in population databases (rs757678397, gnomAD 0.01%). This variant has not been reported in the literature in individuals affected with RECQL4-related conditions. ClinVar contains an entry for this variant (Variation ID: 566753). Experimental studies and prediction algorithms are not available or were not evaluated, and the functional significance of this variant is currently unknown. In summary, the available evidence is currently insufficient to determine the role of this variant in disease. Therefore, it has been classified as a Variant of Uncertain Significance.

Ambry Genetics
Classification: Uncertain significance for Inborn genetic diseases. Last evaluated: 2025-01-05. Review status: criteria provided, single submitter. Criteria: Ambry Variant Classification Scheme 2023. Collection method: clinical testing. Allele origin: germline.
Comment: The p.R10W variant (also known as c.28C>T), located in coding exon 1 of the RECQL4 gene, results from a C to T substitution at nucleotide position 28. The arginine at codon 10 is replaced by tryptophan, an amino acid with dissimilar properties. This amino acid position is conserved. In addition, the in silico prediction for this alteration is inconclusive. Based on the available evidence, the clinical significance of this variant remains unclear.

Genetic Services Laboratory, University of Chicago
Classification: Uncertain significance. Last evaluated: 2023-01-05. Review status: criteria provided, single submitter. Criteria: ACMG Guidelines, 2015. Collection method: clinical testing. Allele origin: germline. Affected: no.
Comment: DNA sequence analysis of the RECQL4 gene demonstrated a sequence change, c.28C>T, in exon 1 that results in an amino acid change, p.Arg10Trp. This sequence change does not appear to have been previously described in individuals with RECQL4-related disorders. This sequence change has been described in the gnomAD database in one individual which corresponds to a population frequency of 0.0034% (dbSNP rs757678397). The p.Arg10Trp change affects a poorly conserved amino acid residue located in a domain of the RECQL4 protein that is known to be functional. In-silico pathogenicity prediction tools (SIFT, PolyPhen2, Align GVGD, REVEL) provide contradictory results for the p.Arg10Trp substitution. Due to insufficient evidences and the lack of functional studies, the clinical significance of the p.Arg10Trp change remains unknown at this time.

NM_004260.4(RECQL4):c.28C>T (p.Arg10Trp)

Genes: RECQL4 (RecQ like helicase 4; minus strand), LOC130001411 (ATAC-STARR-seq lymphoblastoid silent region 19699; plus strand). Cytogenetic location: 8q24.3.
Variant type: single nucleotide variant.
Coding change: c.28C>T on transcript NM_004260.4 (MANE Select); coding-DNA position 28, C replaced by T.
Protein change: p.Arg10Trp; replaces arginine 10 with tryptophan.
Molecular consequence: missense variant.
Genome position (GRCh38, 1-based): chr8:144,517,757, G>A on the plus strand (C>T on the coding strand, the complement: RECQL4 is on the minus strand). VCF-style: chr8-144517757-G-A. GRCh37 (hg19) VCF-style: chr8-145743141-G-A.
Other names: short protein forms R10W.
Identifiers: ClinVar variation 566753 (VCV000566753.11), dbSNP rs757678397, ClinGen allele CA4949513.